The following is an entry in ClinVar:

ClinVar aggregate classification (germline): Uncertain significance (1 of 4 stars; one submission).

Conditions:
Congenital contractures of the limbs and face, hypotonia, and developmental delay (CLIFAHDD). Identifiers: Orphanet 562528, MedGen C4225398, MONDO:0014556, OMIM 616266.

Submission:

3billion
Classification: Uncertain significance for Congenital contractures of the limbs and face, hypotonia, and developmental delay. Last evaluated: 2022-01-03. Review status: criteria provided, single submitter. Criteria: ACMG Guidelines, 2015. Collection method: clinical testing. Allele origin: germline. Affected: yes. Observed: 1 heterozygote.
Comment: The variant is not observed in the gnomAD v2.1.1 dataset (PM2_M). In silico tool predictions suggest damaging effect of the variant on gene or gene product (REVEL: 0.733, PP3_P). A missense variant is a common mechanism associated with Congenital contractures of the limbs and face (PP2_P). Therefore, this variant is classified as uncertain significance according to the recommendation of ACMG/AMP guideline.

NM_052867.4(NALCN):c.4498A>T (p.Arg1500Trp)

Gene: NALCN (sodium leak channel, non-selective; minus strand). Cytogenetic location: 13q32.3.
Variant type: single nucleotide variant.
Coding change: c.4498A>T on transcript NM_052867.4 (MANE Select); coding-DNA position 4498, A replaced by T.
Protein change: p.Arg1500Trp; replaces arginine 1500 with tryptophan.
Molecular consequence: missense variant.
Genome position (GRCh38, 1-based): chr13:101,065,510, T>A on the plus strand (A>T on the coding strand, the complement: NALCN is on the minus strand). VCF-style: chr13-101065510-T-A. GRCh37 (hg19) VCF-style: chr13-101717862-T-A.
Other names: c.4585A>T, p.Arg1529Trp (NM_001350748.2); c.4498A>T, p.Arg1500Trp (NM_001350749.2); c.4411A>T, p.Arg1471Trp (NM_001350750.2, NM_001350751.2); short protein forms R1471W, R1500W, R1529W.
Identifiers: ClinVar variation 1333596 (VCV001333596.1), dbSNP rs2139425532, ClinGen allele CA388645517.